The following is an entry in ClinVar:

ClinVar aggregate classification (germline): Uncertain significance (1 of 4 stars; one submission).

Conditions:
Leigh syndrome (NULS). Also called: Leigh's syndrome; Subacute necrotizing encephalopathy; Necrotizing encephalopathy infantile subacute of Leigh; Leigh Disease; Leigh's necrotizing encephalopathy; Leigh's disease. Identifiers: Orphanet 506, MedGen C2931891, MONDO:0009723, OMIM 256000.

Submission:

Labcorp Genetics (formerly Invitae), Labcorp
Classification: Uncertain significance for Leigh syndrome. Last evaluated: 2022-08-11. Review status: criteria provided, single submitter. Criteria: Invitae Variant Classification Sherloc (09022015). Collection method: clinical testing. Allele origin: germline.
Comment: This sequence change replaces proline, which is neutral and non-polar, with arginine, which is basic and polar, at codon 33 of the SURF1 protein (p.Pro33Arg). This variant is not present in population databases (gnomAD no frequency). This variant has not been reported in the literature in individuals affected with SURF1-related conditions. Algorithms developed to predict the effect of missense changes on protein structure and function output the following: SIFT: "Tolerated"; PolyPhen-2: "Benign"; Align-GVGD: "Class C0". The arginine amino acid residue is found in multiple mammalian species, which suggests that this missense change does not adversely affect protein function. In summary, the available evidence is currently insufficient to determine the role of this variant in disease. Therefore, it has been classified as a Variant of Uncertain Significance.

NM_003172.4(SURF1):c.98C>G (p.Pro33Arg)

Gene: SURF1 (SURF1 cytochrome c oxidase assembly factor; minus strand). Cytogenetic location: 9q34.2.
Variant type: single nucleotide variant.
Coding change: c.98C>G on transcript NM_003172.4 (MANE Select); coding-DNA position 98, C replaced by G.
Protein change: p.Pro33Arg; replaces proline 33 with arginine.
Molecular consequence: missense variant. On other transcripts: intron variant (1).
Genome position (GRCh38, 1-based): chr9:133,356,277, G>C on the plus strand (C>G on the coding strand, the complement: SURF1 is on the minus strand). VCF-style: chr9-133356277-G-C. GRCh37 (hg19) VCF-style: chr9-136223132-G-C.
Other names: c.-222+123C>G (NM_001280787.1); short protein forms P33R.
Identifiers: ClinVar variation 2173625 (VCV002173625.1), dbSNP rs1836580224, ClinGen allele CA375695020.